The following is an entry in ClinVar:

ClinVar aggregate classification (germline): Uncertain significance (1 of 4 stars; one submission).

Conditions:
Familial encephalopathy with neuroserpin inclusion bodies. Also called: ENCEPHALOPATHY, FAMILIAL, WITH COLLINS BODIES. Identifiers: Orphanet 85110, MedGen C1858680, MONDO:0011412, OMIM 604218.

Allele frequency attached by ClinVar (database versions not stated): gnomAD exomes below 0.00001; gnomAD 0.00001.

Submission:

Labcorp Genetics (formerly Invitae), Labcorp
Classification: Uncertain significance for Familial encephalopathy with neuroserpin inclusion bodies. Last evaluated: 2024-05-06. Review status: criteria provided, single submitter. Criteria: Invitae Variant Classification Sherloc (09022015). Collection method: clinical testing. Allele origin: germline.
Comment: This sequence change replaces alanine, which is neutral and non-polar, with valine, which is neutral and non-polar, at codon 19 of the SERPINI1 protein (p.Ala19Val). This variant is present in population databases (no rsID available, gnomAD 0.004%). This variant has not been reported in the literature in individuals affected with SERPINI1-related conditions. ClinVar contains an entry for this variant (Variation ID: 1721589). Advanced modeling of protein sequence and biophysical properties (such as structural, functional, and spatial information, amino acid conservation, physicochemical variation, residue mobility, and thermodynamic stability) performed at Invitae indicates that this missense variant is not expected to disrupt SERPINI1 protein function with a negative predictive value of 95%. In summary, the available evidence is currently insufficient to determine the role of this variant in disease. Therefore, it has been classified as a Variant of Uncertain Significance.

NM_001122752.2(SERPINI1):c.56C>T (p.Ala19Val)

Gene: SERPINI1 (serpin family I member 1; plus strand). Cytogenetic location: 3q26.1.
Variant type: single nucleotide variant.
Coding change: c.56C>T on transcript NM_001122752.2 (MANE Select); coding-DNA position 56, C replaced by T.
Protein change: p.Ala19Val; replaces alanine 19 with valine.
Molecular consequence: missense variant.
Genome position (GRCh38, 1-based): chr3:167,789,184, C>T. VCF-style: chr3-167789184-C-T. GRCh37 (hg19) VCF-style: chr3-167506972-C-T.
Other names: c.56C>T, p.Ala19Val (NM_005025.5); short protein forms A19V.
Identifiers: ClinVar variation 1721589 (VCV001721589.5), dbSNP rs768750627, ClinGen allele CA87835646.